The following is an entry in ClinVar:

NM_002439.5(MSH3):c.266G>A (p.Arg89Lys)

Gene: MSH3 (mutS homolog 3; plus strand). Cytogenetic location: 5q14.1.
Variant type: single nucleotide variant.
Coding change: c.266G>A on transcript NM_002439.5 (MANE Select); coding-DNA position 266, G replaced by A.
Protein change: p.Arg89Lys; replaces arginine 89 with lysine.
Molecular consequence: missense variant.
Genome position (GRCh38, 1-based): chr5:80,656,439, G>A. VCF-style: chr5-80656439-G-A. GRCh37 (hg19) VCF-style: chr5-79952258-G-A.
Other names: short protein forms R89K.
Identifiers: ClinVar variation 652092 (VCV000652092.5), dbSNP rs1580540654, ClinGen allele CA360266188.

ClinVar aggregate classification (germline): Uncertain significance (1 of 4 stars; one submission).

Submission:

Labcorp Genetics (formerly Invitae), Labcorp
Classification: Uncertain significance. Last evaluated: 2025-11-30. Review status: criteria provided, single submitter. Criteria: Invitae Variant Classification Sherloc (09022015). Collection method: clinical testing. Allele origin: germline.
Comment: This sequence change replaces arginine, which is basic and polar, with lysine, which is basic and polar, at codon 89 of the MSH3 protein (p.Arg89Lys). This variant is not present in population databases (gnomAD no frequency). This variant has not been reported in the literature in individuals affected with MSH3-related conditions. ClinVar contains an entry for this variant (Variation ID: 652092). An algorithm developed to predict the effect of missense changes on protein structure and function outputs the following: PolyPhen-2: "Benign". The lysine amino acid residue is found in multiple mammalian species, which suggests that this missense change does not adversely affect protein function. In summary, the available evidence is currently insufficient to determine the role of this variant in disease. Therefore, it has been classified as a Variant of Uncertain Significance.